The following is an entry in ClinVar:

NM_001263.4(CDS1):c.811-5_811-3dup

Gene: CDS1 (CDP-diacylglycerol synthase 1; plus strand). Cytogenetic location: 4q21.23.
Variant type: Duplication.
Coding change: c.811-5_811-3dup on transcript NM_001263.4 (MANE Select); 5 bases into the intron before coding-DNA position 811 through 3 bases into the intron before coding-DNA position 811, 3 bases duplicated (TTT; older notation c.811-5_811-3dupTTT).
Molecular consequence: intron variant.
Genome position (GRCh38, 1-based): chr4:84,638,919-84,638,921, TTT duplicated; duplicating any 3 consecutive bases within chr4:84,638,916-84,638,921 gives the same sequence; the c. name uses the placement nearest the transcript's 3' end. VCF-style (leftmost placement, unchanged base first): chr4-84638915-C-CTTT. GRCh37 (hg19) VCF-style: chr4-85560068-C-CTTT.
Identifiers: ClinVar variation 3051171 (VCV003051171.2), dbSNP rs761209404, ClinGen allele CA2991737.

ClinVar aggregate classification (germline): Likely benign (0 of 4 stars; one submission).

Conditions:
CDS1-related disorder. Also called: CDS1-related condition.

Submission:

PreventionGenetics, part of Exact Sciences
Classification: Likely benign for CDS1-related condition. Last evaluated: 2020-01-29. Review status: no assertion criteria provided. Collection method: clinical testing. Allele origin: germline.
Comment: This variant is classified as likely benign based on ACMG/AMP sequence variant interpretation guidelines (Richards et al. 2015 PMID: 25741868, with internal and published modifications).